The following is an entry in ClinVar:

ClinVar aggregate classification (germline): Pathogenic/Likely pathogenic. Review status: criteria provided, multiple submitters, no conflicts (2 of 4 stars). 4 submissions from 4 submitters: Pathogenic (1); Likely pathogenic (2). 1 of the submissions does not count toward it. Last evaluated 2025-10-21.

Conditions:
Cardiovascular phenotype. Identifiers: MedGen CN230736.
Walker-Warburg congenital muscular dystrophy. Also called: Muscular dystrophy-dystroglycanopathy, type A; Walker-Warburg syndrome. Identifiers: Orphanet 899, MedGen C0265221, MONDO:0000171.
FKRP-related disorder. Also called: FKRP-related condition.
Autosomal recessive limb-girdle muscular dystrophy type 2I. Also called: MUSCULAR DYSTROPHY, LIMB-GIRDLE, TYPE 2I; MUSCULAR DYSTROPHY-DYSTROGLYCANOPATHY (LIMB-GIRDLE), TYPE C, 5; MUSCULAR DYSTROPHY-DYSTROGLYCANOPATHY, LIMB-GIRDLE, FRKP-RELATED. Identifiers: Orphanet 34515, MedGen C1846672, MONDO:0011787, OMIM 607155.

Allele frequency attached by ClinVar (database versions not stated): gnomAD exomes 0.00001 and 0.00002; TOPMed 0.00001; gnomAD 0.00003 and 0.00004.

Submissions (4):

Labcorp Genetics (formerly Invitae), Labcorp
Classification: Likely pathogenic for Walker-Warburg congenital muscular dystrophy. Last evaluated: 2025-10-21. Review status: criteria provided, single submitter. Criteria: Invitae Variant Classification Sherloc (09022015). Collection method: clinical testing. Allele origin: germline.
Comment: This sequence change creates a premature translational stop signal (p.Gln77*) in the FKRP gene. While this is not anticipated to result in nonsense mediated decay, it is expected to disrupt the last 419 amino acid(s) of the FKRP protein. This variant is present in population databases (no rsID available, gnomAD 0.02%). This premature translational stop signal has been observed in individuals with clinical features of limb-girdle muscular dystrophy (PMID: 22983245, 39678382). ClinVar contains an entry for this variant (Variation ID: 1068020). In summary, the currently available evidence indicates that the variant is pathogenic, but additional data are needed to prove that conclusively. Therefore, this variant has been classified as Likely Pathogenic.

Blueprint Genetics
Classification: Likely pathogenic for FKRP-related disorders. Last evaluated: 2021-07-29. Review status: criteria provided, single submitter. Criteria: ACMG Guidelines, 2015. Collection method: clinical testing. Allele origin: germline. Affected: yes. Observed: 3 variant alleles.

Ambry Genetics
Classification: Pathogenic for Cardiovascular phenotype. Last evaluated: 2020-03-03. Review status: criteria provided, single submitter. Criteria: Ambry Variant Classification Scheme 2023. Collection method: clinical testing. Allele origin: germline.
Comment: The p.Q77* pathogenic mutation (also known as c.229C>T), located in coding exon 1 of the FKRP gene, results from a C to T substitution at nucleotide position 229. This changes the amino acid from a glutamine to a stop codon within coding exon 1. This mutation was reportedly detected in a limb girdle muscular dystrophy cohort; however, clinical details were limited (Ryzhkova OP et al. Zh Nevrol Psikhiatr Im S S Korsakova, 2012;112:55-9). In addition to the clinical data presented in the literature, this alteration is expected to result in loss of function by premature protein truncation or nonsense-mediated mRNA decay. As such, this alteration is interpreted as a disease-causing mutation.

Natera, Inc.
Classification: Likely pathogenic for Limb-girdle muscular dystrophy type 2I. Last evaluated: 2021-02-25. Review status: no assertion criteria provided. Collection method: clinical testing. Allele origin: germline. Not counted in ClinVar's aggregate classification.

Literature cited by the submitters: PubMed 22983245 (cited by Labcorp Genetics (formerly Invitae), Labcorp and Ambry Genetics); PubMed 39678382 (cited by Labcorp Genetics (formerly Invitae), Labcorp).

NM_024301.5(FKRP):c.229C>T (p.Gln77Ter)

Gene: FKRP (fukutin related protein; plus strand). Cytogenetic location: 19q13.32.
Variant type: single nucleotide variant.
Coding change: c.229C>T on transcript NM_024301.5 (MANE Select); coding-DNA position 229, C replaced by T.
Protein change: p.Gln77Ter; replaces glutamine 77 with a stop codon.
Molecular consequence: nonsense.
Genome position (GRCh38, 1-based): chr19:46,755,679, C>T. VCF-style: chr19-46755679-C-T. GRCh37 (hg19) VCF-style: chr19-47258936-C-T.
Other names: c.229C>T (NM_024301.4); c.229C>T, p.Gln77Ter (NM_001039885.3); short protein forms Q77*.
Identifiers: ClinVar variation 1068020 (VCV001068020.13), dbSNP rs1051900223, ClinGen allele CA309099226.